The following is an entry in ClinVar:

ClinVar aggregate classification (germline): Pathogenic. Review status: criteria provided, multiple submitters, no conflicts (2 of 4 stars). 3 submissions from 3 submitters: Pathogenic (2). 1 of the submissions does not count toward it. Last evaluated 2025-10-01.

Conditions:
Charcot-Marie-Tooth disease. Also called: Charcot-Marie-Tooth Neuropathy; Charcot-Marie-Tooth Hereditary Neuropathy. Identifiers: Orphanet 166, MedGen C0007959, MONDO:0015626.
Charcot-Marie-Tooth Neuropathy X. Identifiers: MedGen CN118851.
Charcot-Marie-Tooth disease X-linked dominant 1. Also called: X-linked Charcot-Marie-Tooth disease type 1; CHARCOT-MARIE-TOOTH NEUROPATHY, X-LINKED, 1; CHARCOT-MARIE-TOOTH PERONEAL MUSCULAR ATROPHY, X-LINKED; Charcot-Marie-Tooth Neuropathy X Type 1; GJB1 Disorders: Charcot-Marie-Tooth Neuropathy (CMT1X) and Central Nervous System Phenotypes; HEREDITARY MOTOR AND SENSORY NEUROPATHY, X-LINKED. Identifiers: Orphanet 101075, MedGen C0393808, MONDO:0010549, OMIM 302800.

Submissions (3):

Labcorp Genetics (formerly Invitae), Labcorp
Classification: Pathogenic for Charcot-Marie-Tooth Neuropathy X. Last evaluated: 2025-10-01. Review status: criteria provided, single submitter. Criteria: Invitae Variant Classification Sherloc (09022015). Collection method: clinical testing. Allele origin: germline.
Comment: This sequence change replaces glycine, which is neutral and non-polar, with serine, which is neutral and polar, at codon 159 of the GJB1 protein (p.Gly159Ser). This variant is not present in population databases (gnomAD no frequency). This missense change has been observed in individuals with clinical features of Charcot-Marie-Tooth disease (PMID: 10732813, 21282593, 32376792; internal data). It has also been observed to segregate with disease in related individuals. ClinVar contains an entry for this variant (Variation ID: 477598). Invitae Evidence Modeling of protein sequence and biophysical properties (such as structural, functional, and spatial information, amino acid conservation, physicochemical variation, residue mobility, and thermodynamic stability) has been performed for this missense variant. However, the output from this modeling did not meet the statistical confidence thresholds required to predict the impact of this variant on GJB1 protein function. Algorithms developed to predict the effect of sequence changes on RNA splicing suggest that this variant may create or strengthen a splice site. This variant disrupts the p.Gly159 amino acid residue in GJB1. Other variant(s) that disrupt this residue have been observed in individuals with GJB1-related conditions (PMID: 11404117, 21291455), which suggests that this may be a clinically significant amino acid residue. For these reasons, this variant has been classified as Pathogenic.

Victorian Clinical Genetics Services, Murdoch Childrens Research Institute
Classification: Pathogenic for Charcot-Marie-Tooth disease X-linked dominant 1. Last evaluated: 2024-10-10. Review status: criteria provided, single submitter. Criteria: ACMG Guidelines, 2015. Collection method: clinical testing. Allele origin: germline. Inheritance: X-linked dominant inheritance.
Comment: Based on the classification scheme VCGS_Germline_v1.3.5, this variant is classified as Pathogenic. Following criteria are met: 0102 - Loss of function is a known mechanism of disease in this gene and is associated with Charcot-Marie-Tooth neuropathy 1 (MIM#302800). (I) 0110 - This gene is associated with X-linked dominant disease. (I) 0112 - The condition associated with this gene has incomplete penetrance. Some female carriers may remain asymptomatic (GeneReviews). (I) 0115 - Variants in this gene are known to have variable expressivity. Phenotypic variability has been reported in affected males and female variant carriers (OMIM). (I) 0200 - Variant is predicted to result in a missense amino acid change from glycine to serine. (I) 0251 - This variant is heterozygous. (I) 0301 - Variant is absent from gnomAD (v2, v3 and v4). (SP) 0502 - Missense variant with conflicting in silico predictions and uninformative conservation. (I) 0600 - Variant is located in the annotated connexin domain (DECIPHER). (I) 0703 - Another missense variant comparable to the one identified in this case has moderate previous evidence for pathogenicity. p.(Gly159Asp) has been reported in unrelated individuals affected with Charcot-Marie-Tooth (PMIDs: 21291455, 22464564). (SP) 0801 - This variant has strong previous evidence of pathogenicity in unrelated individuals. (SP) 1007 - No published functional evidence has been identified for this variant. (I) Legend: (SP) - Supporting pathogenic, (I) - Information, (SB) - Supporting benign

Inherited Neuropathy Consortium
Classification: Uncertain significance for Charcot-Marie-Tooth disease. Review status: no assertion criteria provided. Collection method: literature only. Allele origin: germline. Affected: yes. Not counted in ClinVar's aggregate classification.

Literature cited by the submitters: PubMed 10732813 (cited by 3 submitters); PubMed 21282593 (cited by Labcorp Genetics (formerly Invitae), Labcorp and Victorian Clinical Genetics Services, Murdoch Childrens Research Institute); PubMed 32376792 (cited by Labcorp Genetics (formerly Invitae), Labcorp and Victorian Clinical Genetics Services, Murdoch Childrens Research Institute); PubMed 11404117 (cited by Labcorp Genetics (formerly Invitae), Labcorp); PubMed 21291455 (cited by Labcorp Genetics (formerly Invitae), Labcorp and Victorian Clinical Genetics Services, Murdoch Childrens Research Institute); PubMed 19058222 (cited by Victorian Clinical Genetics Services, Murdoch Childrens Research Institute); PubMed 20301548 (cited by Victorian Clinical Genetics Services, Murdoch Childrens Research Institute); PubMed 22464564 (cited by Victorian Clinical Genetics Services, Murdoch Childrens Research Institute).

NM_000166.6(GJB1):c.475G>A (p.Gly159Ser)

Gene: GJB1 (gap junction protein beta 1; plus strand). Cytogenetic location: Xq13.1.
Variant type: single nucleotide variant.
Coding change: c.475G>A on transcript NM_000166.6 (MANE Select); coding-DNA position 475, G replaced by A.
Protein change: p.Gly159Ser; replaces glycine 159 with serine.
Molecular consequence: missense variant.
Genome position (GRCh38, 1-based): chrX:71,224,182, G>A. VCF-style: chrX-71224182-G-A. GRCh37 (hg19) VCF-style: chrX-70444032-G-A.
Other names: c.475G>A, p.Gly159Ser (NM_001097642.3); short protein forms G159S.
Identifiers: ClinVar variation 477598 (VCV000477598.10), dbSNP rs1555937194, ClinGen allele CA413502674.
Genomic context (GRCh38, chrX:71,224,182, plus strand): 5'-GTGGTGTTCCGGCTGTTGTTTGAGGCCGTCTTCATGTATGTCTTTTATCTGCTCTACCCT[G>A]GCTATGCCATGGTGCGGCTGGTCAAGTGCGACGTCTACCCCTGCCCCAACACAGTGGACT-3'
Protein context (NP_000157.1, residues 149-169): FMYVFYLLYP[Gly159Ser]YAMVRLVKCD